The following is an entry in ClinVar:

NM_001351132.2(PEX5):c.1430C>A (p.Ala477Glu)

Gene: PEX5 (peroxisomal biogenesis factor 5; plus strand). Cytogenetic location: 12p13.31.
Variant type: single nucleotide variant.
Coding change: c.1430C>A on transcript NM_001351132.2 (MANE Select); coding-DNA position 1430, C replaced by A.
Protein change: p.Ala477Glu; replaces alanine 477 with glutamic acid.
Molecular consequence: missense variant.
Genome position (GRCh38, 1-based): chr12:7,209,040, C>A. VCF-style: chr12-7209040-C-A. GRCh37 (hg19) VCF-style: chr12-7361636-C-A.
Other names: c.1475C>A, p.Ala492Glu (NM_001131023.2); c.1319C>A, p.Ala440Glu (NM_001131024.2, NM_001351124.3, NM_001351126.2 and 7 more transcripts); c.1430C>A, p.Ala477Glu (NM_001131025.2, NM_001131026.2, NM_001351133.2 and 4 more transcripts); c.1364C>A, p.Ala455Glu (NM_001351135.3, NM_001351138.2); c.1421C>A, p.Ala474Glu (NM_001351136.2); c.1406C>A, p.Ala469Glu (NM_000319.5); c.1295C>A, p.Ala432Glu (NM_001351139.2, NM_001351140.2, NM_001374649.2); short protein forms A432E, A440E, A455E, A469E, A492E, A477E, A474E.
Identifiers: ClinVar variation 1464787 (VCV001464787.5), dbSNP rs779806201, ClinGen allele CA6426465.

ClinVar aggregate classification (germline): Uncertain significance (1 of 4 stars; one submission).

Conditions:
Peroxisome biogenesis disorder 2B (PBD2B). Identifiers: Orphanet 44, MedGen C3550234, MONDO:0008736, OMIM 202370.

Allele frequency attached by ClinVar (database versions not stated): gnomAD exomes below 0.00001 and 0.00001; TOPMed below 0.00001; ExAC 0.00001.
gnomAD v4.1: 1 of 1,614,150 alleles (0.000062%); highest among the groups gnomAD compares: East Asian, 0.0022%; no homozygotes.

Submission:

Labcorp Genetics (formerly Invitae), Labcorp
Classification: Uncertain significance for Peroxisome biogenesis disorder 2B. Last evaluated: 2021-08-14. Review status: criteria provided, single submitter. Criteria: Invitae Variant Classification Sherloc (09022015). Collection method: clinical testing. Allele origin: germline.
Comment: This sequence change replaces alanine with glutamic acid at codon 477 of the PEX5 protein (p.Ala477Glu). The alanine residue is weakly conserved and there is a moderate physicochemical difference between alanine and glutamic acid. This variant is present in population databases (rs779806201, ExAC 0.01%). This variant has not been reported in the literature in individuals affected with PEX5-related conditions. Algorithms developed to predict the effect of missense changes on protein structure and function output the following: SIFT: "Tolerated"; PolyPhen-2: "Benign"; Align-GVGD: "Class C0". The glutamic acid amino acid residue is found in multiple mammalian species, which suggests that this missense change does not adversely affect protein function. In summary, the available evidence is currently insufficient to determine the role of this variant in disease. Therefore, it has been classified as a Variant of Uncertain Significance.